The following is an entry in ClinVar:

ClinVar aggregate classification (germline): Pathogenic (1 of 4 stars; one submission).

Conditions:
Nemaline myopathy 2 (NEM2). Also called: Nemaline myopathy 2, autosomal recessive. Identifiers: MedGen C1850569, MONDO:0009725, OMIM 256030.

Submission:

Labcorp Genetics (formerly Invitae), Labcorp
Classification: Pathogenic for Nemaline myopathy 2. Last evaluated: 2021-03-01. Review status: criteria provided, single submitter. Criteria: Invitae Variant Classification Sherloc (09022015). Collection method: clinical testing. Allele origin: germline.
Comment: This sequence change creates a premature translational stop signal (p.Gln8161Profs*20) in the NEB gene. It is expected to result in an absent or disrupted protein product. Loss-of-function variants in NEB are known to be pathogenic (PMID: 25205138). This variant is not present in population databases (ExAC no frequency). This variant has not been reported in the literature in individuals with NEB-related conditions. For these reasons, this variant has been classified as Pathogenic.

Literature cited by the submitters: PubMed 25205138.

NM_001164508.2(NEB):c.24376_24377insCC (p.Gln8126fs)

Genes: RIF1 (replication timing regulatory factor 1; plus strand), NEB (nebulin; minus strand). Cytogenetic location: 2q23.3.
Variant type: Insertion.
Coding change: c.24376_24377insCC on transcript NM_001164508.2 (MANE Select); coding-DNA positions 24376 to 24377, CC inserted.
Protein change: p.Gln8126fs; shifts the reading frame from glutamine 8126.
Molecular consequence: frameshift variant. On other transcripts: intron variant (1).
Genome position: GRCh38 VCF-style: chr2-151496957-T-TGG. GRCh37 (hg19) VCF-style: chr2-152353471-T-TGG.
Other names: c.24376_24377insCC, p.Gln8126fs (NM_001164507.2); c.24481_24482insCC, p.Gln8161fs (NM_001271208.2); c.18826-590_18826-589insCC (NM_004543.5); short protein forms Q8126fs, Q8161fs.
Identifiers: ClinVar variation 1451650 (VCV001451650.6), dbSNP rs2152954992, ClinGen allele CA2573133314.
Genomic context (GRCh38, chr2:151,496,957, plus strand): 5'-TTTTAAAATCAGTAAGTAGTTTTTTTCTTTTCTTGCCCAAGTACCGAGCTAATATTTTCT[T>TGG]GATTGTGTTTGACTCTCTCCATCTCAGGAGTGACAGGTAGAGGGGTTCCCTTGCCCATGT-3'